The following is an entry in ClinVar:

NM_001009944.3(PKD1):c.3120G>A (p.Thr1040=)

Gene: PKD1 (polycystin 1, transient receptor potential channel interacting; minus strand). Cytogenetic location: 16p13.3.
Variant type: single nucleotide variant.
Coding change: c.3120G>A on transcript NM_001009944.3 (MANE Select); coding-DNA position 3120, G replaced by A.
Protein change: p.Thr1040=; no amino-acid change (threonine 1040 retained).
Molecular consequence: synonymous variant.
Genome position (GRCh38, 1-based): chr16:2,112,829, C>T on the plus strand (G>A on the coding strand, the complement: PKD1 is on the minus strand). VCF-style: chr16-2112829-C-T. GRCh37 (hg19) VCF-style: chr16-2162830-C-T.
Other names: c.3120G>A, p.Thr1040= (NM_000296.4).
Identifiers: ClinVar variation 3053884 (VCV003053884.2), dbSNP rs747215688, ClinGen allele CA7832944.

ClinVar aggregate classification (germline): Likely benign (0 of 4 stars; one submission).

Conditions:
PKD1-related disorder. Also called: PKD1-related condition.

Allele frequency attached by ClinVar (database versions not stated): ExAC 0.00003; gnomAD 0.00017; TOPMed 0.00024.
gnomAD v4.1: 54 of 1,602,298 alleles (0.0034%); highest among the groups gnomAD compares: African/African-American, 0.052%; no homozygotes.

Submission:

PreventionGenetics, part of Exact Sciences
Classification: Likely benign for PKD1-related condition. Last evaluated: 2020-12-08. Review status: no assertion criteria provided. Collection method: clinical testing. Allele origin: germline.
Comment: This variant is classified as likely benign based on ACMG/AMP sequence variant interpretation guidelines (Richards et al. 2015 PMID: 25741868, with internal and published modifications).